The following is an entry in ClinVar:

ClinVar aggregate classification (germline): Likely pathogenic (1 of 4 stars; one submission).

gnomAD v4.1: 2 of 1,614,060 alleles (0.00012%); highest among the groups gnomAD compares: African/African-American, 0.0013%; no homozygotes.

Submission:

Dasa
Classification: Likely pathogenic. Last evaluated: 2026-02-23. Review status: criteria provided, single submitter. Criteria: DASA Assertion Criteria. Collection method: clinical testing. Allele origin: germline.
Comment: NM_000494.4(COL17A1):c.1267+1G>A affects a canonical splice site and is predicted to disrupt normal RNA splicing. Loss of function is an established disease mechanism for COL17A1-associated disorders. Also, this variant is rare in population databases. Based on the currently available evidence, this variant is classified as likely pathogenic.

NM_000494.4(COL17A1):c.1267+1G>A

Gene: COL17A1 (collagen type XVII alpha 1 chain; minus strand). Cytogenetic location: 10q25.1.
Variant type: single nucleotide variant.
Coding change: c.1267+1G>A on transcript NM_000494.4 (MANE Select); the canonical splice donor site of the intron after coding-DNA position 1267, G replaced by A.
Molecular consequence: splice donor variant.
Genome position (GRCh38, 1-based): chr10:104,058,145, C>T on the plus strand (G>A on the coding strand, the complement: COL17A1 is on the minus strand). VCF-style: chr10-104058145-C-T. GRCh37 (hg19) VCF-style: chr10-105817903-C-T.
Identifiers: ClinVar variation 4885845 (VCV004885845.2).